The following is an entry in ClinVar:

ClinVar aggregate classification (germline): Uncertain significance (1 of 4 stars; one submission).

Conditions:
Pityriasis rubra pilaris (PRP). Also called: Pityriasis rubra pilaris--familial type. Identifiers: Orphanet 2897, MedGen C0032027, MONDO:0100017, OMIM 173200, MONDO:0008251.
Psoriasis 2. Identifiers: MedGen C1864497, MONDO:0011269, OMIM 602723.

Submission:

Labcorp Genetics (formerly Invitae), Labcorp
Classification: Uncertain significance for Pityriasis rubra pilaris; Psoriasis 2. Last evaluated: 2025-10-29. Review status: criteria provided, single submitter. Criteria: Invitae Variant Classification Sherloc (09022015). Collection method: clinical testing. Allele origin: germline.
Comment: This sequence change creates a premature translational stop signal (p.Arg151Alafs*26) in the CARD14 gene. It is expected to result in an absent or disrupted protein product. However, the current clinical and genetic evidence is not sufficient to establish whether loss-of-function variants in CARD14 cause disease. This variant is not present in population databases (gnomAD no frequency). This variant has not been reported in the literature in individuals affected with CARD14-related conditions. In summary, the available evidence is currently insufficient to determine the role of this variant in disease. Therefore, it has been classified as a Variant of Uncertain Significance.

NM_001366385.1(CARD14):c.449dup (p.Arg151fs)

Gene: CARD14 (caspase recruitment domain family member 14; plus strand). Cytogenetic location: 17q25.3.
Variant type: Duplication.
Coding change: c.449dup on transcript NM_001366385.1 (MANE Select); coding-DNA position 449, one base duplicated (T; older notation c.449dupT).
Protein change: p.Arg151fs; shifts the reading frame from arginine 151.
Molecular consequence: frameshift variant. On other transcripts: non-coding transcript variant (1).
Genome position (GRCh38, 1-based): chr17:80,184,012, T duplicated. VCF-style (leftmost placement, unchanged base first): chr17-80184011-C-CT. GRCh37 (hg19) VCF-style: chr17-78157810-C-CT.
Other names: c.449dup, p.Arg151fs (NM_001257970.1, NM_024110.4); short protein forms R151fs.
Identifiers: ClinVar variation 4785275 (VCV004785275.1).